The following is an entry in ClinVar:

NM_001267550.2(TTN):c.13989C>T (p.Ile4663=)

Gene: TTN (titin; minus strand). Cytogenetic location: 2q31.2.
Variant type: single nucleotide variant.
Coding change: c.13989C>T on transcript NM_001267550.2 (MANE Select); coding-DNA position 13989, C replaced by T.
Protein change: p.Ile4663=; no amino-acid change (isoleucine 4663 retained).
Molecular consequence: synonymous variant. On other transcripts: intron variant (1).
Genome position (GRCh38, 1-based): chr2:178,739,244, G>A on the plus strand (C>T on the coding strand, the complement: TTN is on the minus strand). VCF-style: chr2-178739244-G-A. GRCh37 (hg19) VCF-style: chr2-179603971-G-A.
Other names: c.13038C>T, p.Ile4346= (NM_001256850.1); c.12900C>T, p.Ile4300= (NM_003319.4); c.13275C>T, p.Ile4425= (NM_133432.3); c.13476C>T, p.Ile4492= (NM_133437.4); c.10361-884C>T (NM_133378.4).
Identifiers: ClinVar variation 1663118 (VCV001663118.11), dbSNP rs1361452637, ClinGen allele CA430295381.

ClinVar aggregate classification (germline): Likely benign. Review status: criteria provided, multiple submitters, no conflicts (2 of 4 stars). 3 submissions from 3 submitters: Likely benign (3). Last evaluated 2025-12-08.

Conditions:
TTN-related disorder. Also called: TTN-related disorders; TTN-related condition; TTN-related disease.
Cardiovascular phenotype. Identifiers: MedGen CN230736.
Autosomal recessive limb-girdle muscular dystrophy type 2J (LGMDR10). Also called: MUSCULAR DYSTROPHY, LIMB-GIRDLE, AUTOSOMAL RECESSIVE 10; Limb-girdle muscular dystrophy, type 2J. Identifiers: Orphanet 140922, MedGen C1837342, MONDO:0012127, OMIM 608807.
Dilated cardiomyopathy 1G (CMD1G). Identifiers: Orphanet 154, MedGen C1858763, MONDO:0011400, OMIM 604145.

Allele frequency attached by ClinVar (database versions not stated): gnomAD exomes 0.00001; gnomAD 0.00002; TOPMed 0.00002.
gnomAD v4.1: 6 of 1,595,360 alleles (0.00038%); highest among the groups gnomAD compares: African/African-American, 0.0027%; no homozygotes.

Submissions (3):

Labcorp Genetics (formerly Invitae), Labcorp
Classification: Likely benign for Dilated cardiomyopathy 1G; Autosomal recessive limb-girdle muscular dystrophy type 2J. Last evaluated: 2025-12-08. Review status: criteria provided, single submitter. Criteria: Invitae Variant Classification Sherloc (09022015). Collection method: clinical testing. Allele origin: germline.

PreventionGenetics, part of Exact Sciences
Classification: Likely benign for TTN-related condition. Last evaluated: 2025-09-03. Review status: criteria provided, single submitter. Criteria: ACMG Guidelines, 2015. Collection method: clinical testing. Allele origin: germline.
Comment: This variant is classified as likely benign based on ACMG/AMP sequence variant interpretation guidelines (Richards et al. 2015 PMID: 25741868, with internal and published modifications).

Ambry Genetics
Classification: Likely benign for Cardiovascular phenotype. Last evaluated: 2021-11-15. Review status: criteria provided, single submitter. Criteria: Ambry Variant Classification Scheme 2023. Collection method: clinical testing. Allele origin: germline.